The following is an entry in ClinVar:

ClinVar aggregate classification (germline): Uncertain significance (1 of 4 stars; one submission).

Conditions:
Blau syndrome (BLAUS). Also called: ARTHROCUTANEOUVEAL GRANULOMATOSIS; GRANULOMATOSIS, FAMILIAL JUVENILE SYSTEMIC; GRANULOMATOSIS, FAMILIAL, BLAU TYPE; GRANULOMATOUS INFLAMMATORY ARTHRITIS, DERMATITIS, AND UVEITIS, FAMILIAL; JABS SYNDROME. Identifiers: Orphanet 90340, MedGen C5201146, MONDO:0008523, OMIM 186580.
Regional enteritis. Also called: Enteritis, Granulomatous. Identifiers: MedGen C0678202, MeSH D003424.

Submission:

Labcorp Genetics (formerly Invitae), Labcorp
Classification: Uncertain significance for Regional enteritis; Blau syndrome. Last evaluated: 2020-02-20. Review status: criteria provided, single submitter. Criteria: Invitae Variant Classification Sherloc (09022015). Collection method: clinical testing. Allele origin: germline.
Comment: In summary, the available evidence is currently insufficient to determine the role of this variant in disease. Therefore, it has been classified as a Variant of Uncertain Significance. Algorithms developed to predict the effect of missense changes on protein structure and function output the following: SIFT: "Tolerated"; PolyPhen-2: "Benign"; Align-GVGD: "Class C0". The phenylalanine amino acid residue is found in multiple mammalian species, suggesting that this missense change does not adversely affect protein function. These predictions have not been confirmed by published functional studies and their clinical significance is uncertain. This variant has not been reported in the literature in individuals with NOD2-related conditions. This variant is not present in population databases (ExAC no frequency). This sequence change replaces isoleucine with phenylalanine at codon 987 of the NOD2 protein (p.Ile987Phe). The isoleucine residue is weakly conserved and there is a small physicochemical difference between isoleucine and phenylalanine.

NM_001370466.1(NOD2):c.2878A>T (p.Ile960Phe)

Gene: NOD2 (nucleotide binding oligomerization domain containing 2; plus strand). Cytogenetic location: 16q12.1.
Variant type: single nucleotide variant.
Coding change: c.2878A>T on transcript NM_001370466.1 (MANE Select); coding-DNA position 2878, A replaced by T.
Protein change: p.Ile960Phe; replaces isoleucine 960 with phenylalanine.
Molecular consequence: missense variant. On other transcripts: non-coding transcript variant (1).
Genome position (GRCh38, 1-based): chr16:50,725,565, A>T. VCF-style: chr16-50725565-A-T. GRCh37 (hg19) VCF-style: chr16-50759476-A-T.
Other names: c.2878A>T, p.Ile960Phe (NM_001293557.2); c.2959A>T, p.Ile987Phe (NM_022162.3); short protein forms I960F, I987F.
Identifiers: ClinVar variation 1053958 (VCV001053958.9), dbSNP rs2150836993, ClinGen allele CA395876475.